The following is an entry in ClinVar:

ClinVar aggregate classification (germline): Uncertain significance (1 of 4 stars; one submission).

Conditions:
Autosomal recessive limb-girdle muscular dystrophy type 2A (LGMDR1). Also called: LEYDEN-MOEBIUS MUSCULAR DYSTROPHY; MUSCULAR DYSTROPHY, PELVOFEMORAL; Muscular dystrophy, limb-girdle, type 2A, Amish; Limb-girdle muscular dystrophy, type 2A; Calpainopathy. Identifiers: Orphanet 267, MedGen C1869123, MONDO:0009675, OMIM 253600. Disease mechanism: loss of function.

Submission:

Labcorp Genetics (formerly Invitae), Labcorp
Classification: Uncertain significance for Autosomal recessive limb-girdle muscular dystrophy type 2A. Last evaluated: 2024-05-23. Review status: criteria provided, single submitter. Criteria: Invitae Variant Classification Sherloc (09022015). Collection method: clinical testing. Allele origin: germline.
Comment: This sequence change replaces leucine, which is neutral and non-polar, with proline, which is neutral and non-polar, at codon 526 of the CAPN3 protein (p.Leu526Pro). This variant is not present in population databases (gnomAD no frequency). This variant has not been reported in the literature in individuals affected with CAPN3-related conditions. Advanced modeling of protein sequence and biophysical properties (such as structural, functional, and spatial information, amino acid conservation, physicochemical variation, residue mobility, and thermodynamic stability) performed at Invitae indicates that this missense variant is expected to disrupt CAPN3 protein function with a positive predictive value of 80%. In summary, the available evidence is currently insufficient to determine the role of this variant in disease. Therefore, it has been classified as a Variant of Uncertain Significance.

NM_000070.3(CAPN3):c.1577T>C (p.Leu526Pro)

Gene: CAPN3 (calpain 3; plus strand). Cytogenetic location: 15q15.1.
Variant type: single nucleotide variant.
Coding change: c.1577T>C on transcript NM_000070.3 (MANE Select); coding-DNA position 1577, T replaced by C.
Protein change: p.Leu526Pro; replaces leucine 526 with proline.
Molecular consequence: missense variant.
Genome position (GRCh38, 1-based): chr15:42,402,834, T>C. VCF-style: chr15-42402834-T-C. GRCh37 (hg19) VCF-style: chr15-42695032-T-C.
Other names: c.1577T>C, p.Leu526Pro (NM_024344.2); c.1433T>C, p.Leu478Pro (NM_173087.2); c.41T>C, p.Leu14Pro (NM_173088.2); short protein forms L478P, L526P, L14P.
Identifiers: ClinVar variation 3677811 (VCV003677811.2).